The following is an entry in ClinVar:

NM_001374828.1(ARID1B):c.1283_1284insA (p.Ala429fs)

Gene: ARID1B (AT-rich interaction domain 1B; plus strand). Cytogenetic location: 6q25.3.
Variant type: Insertion.
Coding change: c.1283_1284insA on transcript NM_001374828.1 (MANE Select); coding-DNA positions 1283 to 1284, A inserted.
Protein change: p.Ala429fs; shifts the reading frame from alanine 429.
Molecular consequence: frameshift variant.
Genome position: GRCh38 VCF-style: chr6-156778963-C-CA. GRCh37 (hg19) VCF-style: chr6-157100097-C-CA.
Other names: c.1283_1284insA, p.Ala429fs (NM_001371656.1, NM_001374820.1, NM_001438482.1 and 9 more transcripts); short protein forms A429fs.
Identifiers: ClinVar variation 4292874 (VCV004292874.2).

ClinVar aggregate classification (germline): Likely pathogenic. Review status: criteria provided, multiple submitters, no conflicts (2 of 4 stars). 2 submissions from 2 submitters: Likely pathogenic (2). Last evaluated 2024-09-28.

Conditions:
ARID1B-Related Disorder. Identifiers: MedGen CN381337.
Coffin-Siris syndrome 1 (CSS1). Also called: ARID1B-Related Coffin-Siris Syndrome; Mental retardation, autosomal dominant 12. Identifiers: Orphanet 1465, MedGen C3281201, MONDO:0007617, OMIM 135900. Disease mechanism: gain of function.

Submissions (2):

3billion
Classification: Likely pathogenic for Coffin-Siris syndrome 1. Last evaluated: 2024-09-28. Review status: criteria provided, single submitter. Criteria: ACMG Guidelines, 2015. Collection method: clinical testing. Allele origin: germline. Affected: yes.
Comment: The variant is not observed in the gnomAD v4.1.0 dataset. Predicted Consequence/Location: Frameshift: predicted to result in a loss or disruption of normal protein function through nonsense-mediated decay (NMD) or protein truncation. Multiple pathogenic variants are reported downstream of the variant. Therefore, this variant is classified as Likely pathogenic according to the recommendation of ACMG/AMP guideline.

Blueprint Genetics
Classification: Likely pathogenic for ARID1B-related disorders. Last evaluated: 2024-01-04. Review status: criteria provided, single submitter. Criteria: ACMG Guidelines, 2015. Collection method: clinical testing. Allele origin: germline. Affected: yes. Observed: 1 variant allele.